The following is an entry in ClinVar:

ClinVar aggregate classification (germline): Uncertain significance (1 of 4 stars; one submission).

gnomAD v4.1: 1 of 1,210,622 alleles (0.000083%); highest among the groups gnomAD compares: Non-Finnish European, 0.00011%; no homozygotes.

Submission:

GeneDx
Classification: Uncertain significance. Last evaluated: 2023-12-17. Review status: criteria provided, single submitter. Criteria: GeneDx Variant Classification Process June 2021. Collection method: clinical testing. Allele origin: germline. Affected: yes.
Comment: Not observed at significant frequency in large population cohorts (gnomAD); In silico analysis supports that this missense variant has a deleterious effect on protein structure/function; Has not been previously published as pathogenic or benign to our knowledge

NM_001039591.3(USP9X):c.2465G>A (p.Arg822His)

Gene: USP9X (ubiquitin specific peptidase 9 X-linked; plus strand). Cytogenetic location: Xp11.4.
Variant type: single nucleotide variant.
Coding change: c.2465G>A on transcript NM_001039591.3 (MANE Select); coding-DNA position 2465, G replaced by A.
Protein change: p.Arg822His; replaces arginine 822 with histidine.
Molecular consequence: missense variant.
Genome position (GRCh38, 1-based): chrX:41,168,047, G>A. VCF-style: chrX-41168047-G-A. GRCh37 (hg19) VCF-style: chrX-41027300-G-A.
Other names: c.2465G>A, p.Arg822His (NM_001039590.3); c.2480G>A, p.Arg827His (NM_001410748.1, NM_001410749.1); short protein forms R822H, R827H.
Identifiers: ClinVar variation 3365688 (VCV003365688.1).
Genomic context (GRCh38, chrX:41,168,047, plus strand): 5'-ATTTGGCCTGATATTTGTAGGTGGTGATCCATGAAGACTTCATTCAGTCTTGTTTTGATC[G>A]TCTGAAGGCTTCCTATGACACATTGTGTGTTTTGGATGGTGACAAAGACAGTGTTAATTG-3'
Protein context (NP_001034680.2, residues 812-832): HEDFIQSCFD[Arg822His]LKASYDTLCV